The following is an entry in ClinVar:

NM_001008537.3(NEXMIF):c.1056dup (p.Gly353fs)

Gene: NEXMIF (neurite extension and migration factor; minus strand). Cytogenetic location: Xq13.3.
Variant type: Duplication.
Coding change: c.1056dup on transcript NM_001008537.3 (MANE Select); coding-DNA position 1056, one base duplicated (T; older notation c.1056dupT).
Protein change: p.Gly353fs; shifts the reading frame from glycine 353.
Molecular consequence: frameshift variant.
Genome position (GRCh38, 1-based): chrX:74,743,501, A duplicated on the plus strand (T on the coding strand, the reverse complement: NEXMIF is on the minus strand). VCF-style (leftmost placement, unchanged base first): chrX-74743500-C-CA. GRCh37 (hg19) VCF-style: chrX-73963335-C-CA.
Other names: short protein forms G353fs.
Identifiers: ClinVar variation 3645656 (VCV003645656.2).

ClinVar aggregate classification (germline): Pathogenic (1 of 4 stars; one submission).

Submission:

Labcorp Genetics (formerly Invitae), Labcorp
Classification: Pathogenic. Last evaluated: 2024-03-13. Review status: criteria provided, single submitter. Criteria: Invitae Variant Classification Sherloc (09022015). Collection method: clinical testing. Allele origin: germline.
Comment: This sequence change creates a premature translational stop signal (p.Gly353Trpfs*8) in the NEXMIF gene. It is expected to result in an absent or disrupted protein product. Loss-of-function variants in NEXMIF are known to be pathogenic (PMID: 23615299). This variant is not present in population databases (gnomAD no frequency). This variant has not been reported in the literature in individuals affected with NEXMIF-related conditions. For these reasons, this variant has been classified as Pathogenic.

Literature cited by the submitters: PubMed 23615299.